The following is an entry in ClinVar:

ClinVar aggregate classification (germline): Uncertain significance (1 of 4 stars; one submission).

Conditions:
FGD4-related disorder. Also called: FGD4-related condition.

gnomAD v4.1: 1 of 1,614,168 alleles (0.000062%); highest among the groups gnomAD compares: Non-Finnish European, 0.000085%; no homozygotes.

Submission:

PreventionGenetics, part of Exact Sciences
Classification: Uncertain significance for FGD4-related condition. Last evaluated: 2024-12-04. Review status: criteria provided, single submitter. Criteria: ACMG Guidelines, 2015. Collection method: clinical testing. Allele origin: germline.
Comment: The FGD4 c.2215G>T variant is predicted to result in the amino acid substitution p.Val739Phe. To our knowledge, this variant has not been reported in the literature or in a large population database (gnomAD), indicating this variant is rare. At this time, the clinical significance of this variant is uncertain due to the absence of conclusive functional and genetic evidence.

NM_001370298.3(FGD4):c.2626G>T (p.Val876Phe)

Gene: FGD4 (FYVE, RhoGEF and PH domain containing 4; plus strand). Cytogenetic location: 12p11.21.
Variant type: single nucleotide variant.
Coding change: c.2626G>T on transcript NM_001370298.3 (MANE Select); coding-DNA position 2626, G replaced by T.
Protein change: p.Val876Phe; replaces valine 876 with phenylalanine.
Molecular consequence: missense variant.
Genome position (GRCh38, 1-based): chr12:32,640,447, G>T. VCF-style: chr12-32640447-G-T. GRCh37 (hg19) VCF-style: chr12-32793381-G-T.
Other names: c.2470G>T, p.Val824Phe (NM_001304481.2); c.1183G>T, p.Val395Phe (NM_001304484.2); c.1936G>T, p.Val646Phe (NM_001330373.2, NM_001330374.2, NM_001384130.1); c.1663G>T, p.Val555Phe (NM_001370297.1); c.2626G>T, p.Val876Phe (NM_001384126.1); c.2215G>T, p.Val739Phe (NM_001384127.1, NM_001384128.1, NM_001385118.1 and 1 more transcripts); short protein forms V739F, V824F, V876F, V555F, V395F, V646F.
Identifiers: ClinVar variation 4985645 (VCV004985645.1).